The following is an entry in ClinVar:

ClinVar aggregate classification (germline): Uncertain significance (1 of 4 stars; one submission).

Conditions:
Hereditary cancer-predisposing syndrome. Also called: Hereditary Cancer Syndrome; Hereditary neoplastic syndrome; Neoplastic Syndromes, Hereditary; Tumor predisposition. Identifiers: Orphanet 140162, MedGen C0027672, MeSH D009386, MONDO:0015356.

Submission:

Ambry Genetics
Classification: Uncertain significance for Hereditary cancer-predisposing syndrome. Last evaluated: 2021-11-14. Review status: criteria provided, single submitter. Criteria: Ambry Variant Classification Scheme 2023. Collection method: clinical testing. Allele origin: germline.
Comment: The p.V1972L variant (also known as c.5914G>T), located in coding exon 43 of the POLE gene, results from a G to T substitution at nucleotide position 5914. The valine at codon 1972 is replaced by leucine, an amino acid with highly similar properties. This amino acid position is conserved. In addition, this alteration is predicted to be tolerated by in silico analysis. Since supporting evidence is limited at this time, the clinical significance of this alteration remains unclear.

NM_006231.4(POLE):c.5914G>T (p.Val1972Leu)

Gene: POLE (DNA polymerase epsilon, catalytic subunit; minus strand). Cytogenetic location: 12q24.33.
Variant type: single nucleotide variant.
Coding change: c.5914G>T on transcript NM_006231.4 (MANE Select); coding-DNA position 5914, G replaced by T.
Protein change: p.Val1972Leu; replaces valine 1972 with leucine.
Molecular consequence: missense variant.
Genome position (GRCh38, 1-based): chr12:132,634,276, C>A on the plus strand (G>T on the coding strand, the complement: POLE is on the minus strand). VCF-style: chr12-132634276-C-A. GRCh37 (hg19) VCF-style: chr12-133210862-C-A.
Other names: short protein forms V1972L.
Identifiers: ClinVar variation 1750465 (VCV001750465.2), dbSNP rs774726229, ClinGen allele CA387371605.
Genomic context (GRCh38, chr12:132,634,276, plus strand): 5'-AGGAGGCTGCCTGTGGCAAAAACTGCAAAATGTTCCAGTTGTTTTCCAGTAAATCCTCCA[C>A]GTTGGATTCCTCCGCCTCTTCCTCCTCCTCCCCATCTCTTTCCTCCTCATCGTCCTCATT-3'
Protein context (NP_006222.2, residues 1962-1982): EEEEEAEESN[Val1972Leu]EDLLENNWNI